The following is an entry in ClinVar:

ClinVar aggregate classification (germline): Benign. Review status: criteria provided, multiple submitters, no conflicts (2 of 4 stars). 2 submissions from 2 submitters: Benign (2). Last evaluated 2018-01-12.

Conditions:
Galactosylceramide beta-galactosidase deficiency. Also called: GALACTOCEREBROSIDASE DEFICIENCY; GALC DEFICIENCY; GLOBOID CELL LEUKOENCEPHALOPATHY; Leukodystrophy, Globoid Cell; Krabbe Disease. Identifiers: Orphanet 487, MedGen C0023521, MONDO:0009499, OMIM 245200.

Allele frequency attached by ClinVar (database versions not stated): gnomAD 0.44979 and 0.45943; TOPMed 0.45640; 1000 Genomes Project 30x 0.48392; 1000 Genomes Project 0.48862; gnomAD exomes 0.50000.
gnomAD v4.1: 69,900 of 152,014 alleles (46%); highest among the groups gnomAD compares: East Asian, 75%; 17,740 homozygotes.

Submissions (2):

Illumina Laboratory Services, Illumina
Classification: Benign for Galactosylceramide beta-galactosidase deficiency. Last evaluated: 2018-01-12. Review status: criteria provided, single submitter. Criteria: ICSL Variant Classification Criteria 13 December 2019. Collection method: clinical testing. Allele origin: germline.
Comment: This variant was observed in the ICSL laboratory as part of a predisposition screen in an ostensibly healthy population. It had not been previously curated by ICSL or reported in the Human Gene Mutation Database (HGMD: prior to June 1st, 2018), and was therefore a candidate for classification through an automated scoring system. Utilizing variant allele frequency, disease prevalence and penetrance estimates, and inheritance mode, an automated score was calculated to assess if this variant is too frequent to cause the disease. Based on the score and internal cut-off values, a variant classified as benign is not then subjected to further curation. The score for this variant resulted in a classification of benign for this disease.

Breakthrough Genomics
Classification: Benign. Review status: criteria provided, single submitter. Criteria: ACMG Guidelines, 2015. Collection method: not provided. Allele origin: germline. Inheritance: Autosomal recessive inheritance. Affected: yes.

NM_000153.4(GALC):c.*1588T>G

Gene: GALC (galactosylceramidase; minus strand). Cytogenetic location: 14q31.3.
Variant type: single nucleotide variant.
Coding change: c.*1588T>G on transcript NM_000153.4 (MANE Select); 1588 bases downstream of the stop codon, T replaced by G.
Molecular consequence: 3 prime UTR variant.
Genome position (GRCh38, 1-based): chr14:87,933,144, A>C on the plus strand (T>G on the coding strand, the complement: GALC is on the minus strand). VCF-style: chr14-87933144-A-C. GRCh37 (hg19) VCF-style: chr14-88399488-A-C.
Other names: c.*1588T>G (NM_001201401.2, NM_001201402.2).
Identifiers: ClinVar variation 314727 (VCV000314727.6), dbSNP rs17198, ClinGen allele CA10646452.